The following is an entry in ClinVar:

NM_001739.2(CA5A):c.459+10C>T

Gene: CA5A (carbonic anhydrase 5A; minus strand). Cytogenetic location: 16q24.2.
Variant type: single nucleotide variant.
Coding change: c.459+10C>T on transcript NM_001739.2 (MANE Select); 10 bases into the intron after coding-DNA position 459, C replaced by T.
Molecular consequence: intron variant.
Genome position (GRCh38, 1-based): chr16:87,904,776, G>A on the plus strand (C>T on the coding strand, the complement: CA5A is on the minus strand). VCF-style: chr16-87904776-G-A. GRCh37 (hg19) VCF-style: chr16-87938382-G-A.
Other names: c.459+10C>T (NM_001367225.1, NM_001739.1).
Identifiers: ClinVar variation 1586257 (VCV001586257.10), dbSNP rs368408382, ClinGen allele CA8223484.
Genomic context (GRCh38, chr16:87,904,776, plus strand): 5'-TCACCCCCCACCATAGAGCCGGAGACATGGAAAGTGTGCAGATATGTGCTGTTAGGCCAC[G>A]TCTACAAACCTCTGCGGGGTACGCGTGGCCGTCCACTGTGTGCTCTGAGCCCCCCTCGTT-3'

ClinVar aggregate classification (germline): Likely benign. Review status: criteria provided, single submitter (1 of 4 stars). 2 submissions from 2 submitters: Likely benign (1). 1 of the submissions does not count toward it. Last evaluated 2023-02-17.

Conditions:
CA5A-related disorder. Also called: CA5A-related condition.
Hyperammonemic encephalopathy due to carbonic anhydrase VA deficiency. Also called: Carbonic Anhydrase VA Deficiency; Carbonic anhydrase VA deficiency, hyperammonemia due to. Identifiers: Orphanet 401948, MedGen C4706871, MONDO:0014332, OMIM 615751.

Allele frequency attached by ClinVar (database versions not stated): gnomAD exomes 0.00008 and 0.00016; gnomAD 0.00009 and 0.00010; ExAC 0.00010; TOPMed 0.00012; ESP Exome Variant Server 0.00046.
gnomAD v4.1: 234 of 1,548,196 alleles (0.015%); highest among the groups gnomAD compares: Non-Finnish European, 0.019%; 1 homozygote.

Submissions (2):

Labcorp Genetics (formerly Invitae), Labcorp
Classification: Likely benign for Hyperammonemic encephalopathy due to carbonic anhydrase VA deficiency. Last evaluated: 2023-02-17. Review status: criteria provided, single submitter. Criteria: Invitae Variant Classification Sherloc (09022015). Collection method: clinical testing. Allele origin: germline.

PreventionGenetics, part of Exact Sciences
Classification: Likely benign for CA5A-related condition. Last evaluated: 2020-07-06. Review status: no assertion criteria provided. Collection method: clinical testing. Allele origin: germline. Not counted in ClinVar's aggregate classification.
Comment: This variant is classified as likely benign based on ACMG/AMP sequence variant interpretation guidelines (Richards et al. 2015 PMID: 25741868, with internal and published modifications).